The following is an entry in ClinVar:

ClinVar aggregate classification (germline): Uncertain significance (1 of 4 stars; one submission).

Conditions:
Cardiovascular phenotype. Identifiers: MedGen CN230736.

Submission:

Ambry Genetics
Classification: Uncertain significance for Cardiovascular phenotype. Last evaluated: 2024-09-15. Review status: criteria provided, single submitter. Criteria: Ambry Variant Classification Scheme 2023. Collection method: clinical testing. Allele origin: germline.
Comment: The p.R207S variant (also known as c.621G>T), located in coding exon 1 of the ALPK3 gene, results from a G to T substitution at nucleotide position 621. The arginine at codon 207 is replaced by serine, an amino acid with dissimilar properties. This amino acid position is conserved. In addition, this alteration is predicted to be tolerated by in silico analysis. Based on the available evidence, the clinical significance of this variant remains unclear.

NM_020778.5(ALPK3):c.15G>T (p.Arg5Ser)

Gene: ALPK3 (alpha kinase 3; plus strand). Cytogenetic location: 15q25.3.
Variant type: single nucleotide variant.
Coding change: c.15G>T on transcript NM_020778.5 (MANE Select); coding-DNA position 15, G replaced by T.
Protein change: p.Arg5Ser; replaces arginine 5 with serine.
Molecular consequence: missense variant.
Genome position (GRCh38, 1-based): chr15:84,817,467, G>T. VCF-style: chr15-84817467-G-T. GRCh37 (hg19) VCF-style: chr15-85360698-G-T.
Other names: short protein forms R5S.
Identifiers: ClinVar variation 3533131 (VCV003533131.1).